The following is an entry in ClinVar:

ClinVar aggregate classification (germline): Uncertain significance (1 of 4 stars; one submission).

Submission:

GeneDx
Classification: Uncertain significance. Last evaluated: 2026-03-07. Review status: criteria provided, single submitter. Criteria: GeneDx Variant Classification Process June 2021. Collection method: clinical testing. Allele origin: germline.
Comment: In silico analysis supports a deleterious effect on splicing; Located in a regulatory region; in the absence of functional studies, the actual effect of this sequence change is unknown; Has not been previously published as pathogenic or benign to our knowledge

NM_001378414.1(HDAC4):c.-220+602G>A

Gene: HDAC4 (histone deacetylase 4; minus strand). Cytogenetic location: 2q37.3.
Variant type: single nucleotide variant.
Coding change: c.-220+602G>A on transcript NM_001378414.1 (MANE Select); 602 bases into the intron after 220 bases upstream of the start codon, G replaced by A.
Molecular consequence: intron variant. On other transcripts: splice donor variant (1).
Genome position (GRCh38, 1-based): chr2:239,400,376, C>T on the plus strand (G>A on the coding strand, the complement: HDAC4 is on the minus strand). VCF-style: chr2-239400376-C-T. GRCh37 (hg19) VCF-style: chr2-240322070-C-T.
Other names: c.-220+1026G>A (NM_001378417.1, NM_001378415.1); c.-220+602G>A (NM_001378416.1); c.-220+1G>A (NM_006037.4).
Identifiers: ClinVar variation 4975078 (VCV004975078.1).